The following is an entry in ClinVar:

ClinVar aggregate classification (germline): Likely benign. Review status: criteria provided, multiple submitters, no conflicts (2 of 4 stars). 4 submissions from 4 submitters: Likely benign (4). Last evaluated 2025-12-03.

Conditions:
Inborn genetic diseases. Identifiers: MedGen C0950123, MeSH D030342.
Charcot-Marie-Tooth disease axonal type 2O. Also called: Charcot-Marie-Tooth disease, axonal, type 20; CHARCOT-MARIE-TOOTH NEUROPATHY, AXONAL, TYPE 2O; CHARCOT-MARIE-TOOTH DISEASE, AXONAL, AUTOSOMAL DOMINANT, TYPE 2O; Charcot-Marie-Tooth Neuropathy Type 2O. Identifiers: Orphanet 284232, MedGen C3280220, MONDO:0013644, OMIM 614228.
DYNC1H1-related disorder. Also called: DYNC1H1-related disorders; DYNC1H1-related condition. Identifiers: MedGen CN381529.

Allele frequency attached by ClinVar (database versions not stated): TOPMed 0.00002; gnomAD 0.00004 and 0.00007; gnomAD exomes 0.00005 and 0.00011; ExAC 0.00011; 1000 Genomes Project 30x 0.00078; 1000 Genomes Project 0.00100.

Submissions (4):

Labcorp Genetics (formerly Invitae), Labcorp
Classification: Likely benign for Charcot-Marie-Tooth disease axonal type 2O. Last evaluated: 2025-12-03. Review status: criteria provided, single submitter. Criteria: Invitae Variant Classification Sherloc (09022015). Collection method: clinical testing. Allele origin: germline.

PreventionGenetics, part of Exact Sciences
Classification: Likely benign for DYNC1H1-related condition. Last evaluated: 2025-06-04. Review status: criteria provided, single submitter. Criteria: ACMG Guidelines, 2015. Collection method: clinical testing. Allele origin: germline.
Comment: This variant is classified as likely benign based on ACMG/AMP sequence variant interpretation guidelines (Richards et al. 2015 PMID: 25741868, with internal and published modifications).

MGZ Medical Genetics Center
Classification: Likely benign for Charcot-Marie-Tooth disease axonal type 2O. Last evaluated: 2022-08-03. Review status: criteria provided, single submitter. Criteria: ACMG Guidelines, 2015. Collection method: clinical testing. Allele origin: germline. Affected: yes. Observed: 1 variant allele.
Comment: ACMG criteria applied: BS2_SUP, BP4

Ambry Genetics
Classification: Likely benign for Inborn genetic diseases. Last evaluated: 2018-05-17. Review status: criteria provided, single submitter. Criteria: Ambry Variant Classification Scheme 2023. Collection method: clinical testing. Allele origin: germline.

NM_001376.5(DYNC1H1):c.668G>A (p.Arg223His)

Gene: DYNC1H1 (dynein cytoplasmic 1 heavy chain 1; plus strand). Cytogenetic location: 14q32.31.
Variant type: single nucleotide variant.
Coding change: c.668G>A on transcript NM_001376.5 (MANE Select); coding-DNA position 668, G replaced by A.
Protein change: p.Arg223His; replaces arginine 223 with histidine.
Molecular consequence: missense variant.
Genome position (GRCh38, 1-based): chr14:101,979,868, G>A. VCF-style: chr14-101979868-G-A. GRCh37 (hg19) VCF-style: chr14-102446205-G-A.
Other names: short protein forms R223H.
Identifiers: ClinVar variation 699803 (VCV000699803.16), dbSNP rs561761105, ClinGen allele CA7351562.
Genomic context (GRCh38, chr14:101,979,868, plus strand): 5'-CGGAGATCAGCCTGCCGATTCATCCAATGATCACAAATGTTGCAAAACAGTGTTATGAGC[G>A]TGGAGAAAAGCCAAAAGTTACAGACTTTGGTGATAAGGTTGAAGACCCAACATTTCTTAA-3'
Protein context (NP_001367.2, residues 213-233): ITNVAKQCYE[Arg223His]GEKPKVTDFG